The following is an entry in ClinVar:

NM_001458.5(FLNC):c.2218ATC[2] (p.Ile742del)

Gene: FLNC (filamin C; plus strand). Cytogenetic location: 7q32.1.
Variant type: Microsatellite.
Coding change: c.2218ATC[2] on transcript NM_001458.5 (MANE Select); two copies in a row of the 3-base unit ATC starting at c.2218; the reference has three copies in a row; one copy, 3 bases deleted.
Protein change: p.Ile742del; deletes isoleucine 742.
Molecular consequence: inframe deletion.
Genome position (GRCh38, 1-based): chr7:128,842,333-128,842,335, ATC deleted; deleting any 3 consecutive bases within chr7:128,842,326-128,842,335 gives the same sequence; the position shown is the placement nearest the transcript's 3' end. VCF-style (leftmost placement, unchanged base first): chr7-128842325-CCAT-C. GRCh37 (hg19) VCF-style: chr7-128482379-CCAT-C.
Other names: c.2218ATC[2], p.Ile742del (NM_001127487.2); short protein forms I742del.
Identifiers: ClinVar variation 3757474 (VCV003757474.2).

ClinVar aggregate classification (germline): Uncertain significance (1 of 4 stars; one submission).

Conditions:
Distal myopathy with posterior leg and anterior hand involvement. Also called: WILLIAMS DISTAL MYOPATHY. Identifiers: Orphanet 63273, MedGen C3279722, MONDO:0013550, OMIM 614065.
Hypertrophic cardiomyopathy 26. Also called: Cardiomyopathy, familial hypertrophic, 26. Identifiers: Orphanet 75249, MedGen C4310749, MONDO:0014883, OMIM 617047.
Myofibrillar myopathy 5. Also called: Filaminopathy (type); FILAMINOPATHY, AUTOSOMAL DOMINANT. Identifiers: Orphanet 171445, MedGen C1836050, MONDO:0012289, OMIM 609524.

Submission:

Labcorp Genetics (formerly Invitae), Labcorp
Classification: Uncertain significance for Distal myopathy with posterior leg and anterior hand involvement; Myofibrillar myopathy 5; Hypertrophic cardiomyopathy 26. Last evaluated: 2024-07-30. Review status: criteria provided, single submitter. Criteria: Invitae Variant Classification Sherloc (09022015). Collection method: clinical testing. Allele origin: germline.
Comment: This variant, c.2224_2226del, results in the deletion of 1 amino acid(s) of the FLNC protein (p.Ile742del), but otherwise preserves the integrity of the reading frame. This variant is not present in population databases (gnomAD no frequency). This variant has not been reported in the literature in individuals affected with FLNC-related conditions. Experimental studies and prediction algorithms are not available or were not evaluated, and the functional significance of this variant is currently unknown. In summary, the available evidence is currently insufficient to determine the role of this variant in disease. Therefore, it has been classified as a Variant of Uncertain Significance.